The following is an entry in ClinVar:

ClinVar aggregate classification (germline): Uncertain significance (1 of 4 stars; one submission).

Conditions:
Hereditary cancer-predisposing syndrome. Also called: Tumor predisposition; Hereditary neoplastic syndrome; Hereditary Cancer Syndrome; Neoplastic Syndromes, Hereditary. Identifiers: Orphanet 140162, MedGen C0027672, MeSH D009386, MONDO:0015356.

Submission:

Ambry Genetics
Classification: Uncertain significance for Hereditary cancer-predisposing syndrome. Last evaluated: 2026-03-04. Review status: criteria provided, single submitter. Criteria: Ambry Variant Classification Scheme 2023. Collection method: clinical testing. Allele origin: germline.
Comment: The p.L60P variant (also known as c.179T>C), located in coding exon 1 of the CDKN2A (p14ARF) gene, results from a T to C substitution at nucleotide position 179. The leucine at codon 60 is replaced by proline, an amino acid with similar properties. This amino acid position is poorly conserved in available vertebrate species. In addition, this alteration is predicted to be tolerated by in silico analysis. Based on the available evidence, the clinical significance of this variant remains unclear.

NM_058195.4(CDKN2A):c.179T>C (p.Leu60Pro)

Gene: CDKN2A (cyclin dependent kinase inhibitor 2A; minus strand). Cytogenetic location: 9p21.3.
Variant type: single nucleotide variant.
Coding change: c.179T>C on transcript NM_058195.4 (MANE Plus Clinical); coding-DNA position 179, T replaced by C.
Protein change: p.Leu60Pro; replaces leucine 60 with proline.
Molecular consequence: missense variant. On other transcripts: intron variant (1).
Genome position (GRCh38, 1-based): chr9:21,994,153, A>G on the plus strand (T>C on the coding strand, the complement: CDKN2A is on the minus strand). VCF-style: chr9-21994153-A-G. GRCh37 (hg19) VCF-style: chr9-21994152-A-G.
Other names: c.-4+668T>C (NM_001363763.2); short protein forms L60P.
Identifiers: ClinVar variation 4841939 (VCV004841939.1).